The following is an entry in ClinVar:

NM_001367624.2(ZNF469):c.11645C>T (p.Pro3882Leu)

Gene: ZNF469 (zinc finger protein 469; plus strand). Cytogenetic location: 16q24.2.
Variant type: single nucleotide variant.
Coding change: c.11645C>T on transcript NM_001367624.2 (MANE Select); coding-DNA position 11645, C replaced by T.
Protein change: p.Pro3882Leu; replaces proline 3882 with leucine.
Molecular consequence: missense variant.
Genome position (GRCh38, 1-based): chr16:88,439,115, C>T. VCF-style: chr16-88439115-C-T. GRCh37 (hg19) VCF-style: chr16-88505523-C-T.
Other names: NM_001127464.1:c.11561C>T; short protein forms P3882L.
Identifiers: ClinVar variation 1200724 (VCV001200724.9), dbSNP rs376013703, ClinGen allele CA8225632.

ClinVar aggregate classification (germline): Uncertain significance. Review status: criteria provided, multiple submitters, no conflicts (2 of 4 stars). 3 submissions from 3 submitters: Uncertain significance (3). Last evaluated 2024-06-03.

Conditions:
Cardiovascular phenotype. Identifiers: MedGen CN230736.

Allele frequency attached by ClinVar (database versions not stated): gnomAD 0.00002 and 0.00003; TOPMed 0.00005; ExAC 0.00010; ESP Exome Variant Server 0.00022.
gnomAD v4.1: 47 of 1,550,856 alleles (0.003%); highest among the groups gnomAD compares: African/African-American, 0.0068%; no homozygotes.

Submissions (3):

Ambry Genetics
Classification: Uncertain significance for Cardiovascular phenotype. Last evaluated: 2024-06-03. Review status: criteria provided, single submitter. Criteria: Ambry Variant Classification Scheme 2023. Collection method: clinical testing. Allele origin: germline.
Comment: The p.P3854L variant (also known as c.11561C>T), located in coding exon 2 of the ZNF469 gene, results from a C to T substitution at nucleotide position 11561. The proline at codon 3854 is replaced by leucine, an amino acid with similar properties. This amino acid position is conserved. In addition, this alteration is predicted to be tolerated by in silico analysis. Since supporting evidence is limited at this time, the clinical significance of this alteration remains unclear.

Labcorp Genetics (formerly Invitae), Labcorp
Classification: Uncertain significance. Last evaluated: 2022-09-09. Review status: criteria provided, single submitter. Criteria: Invitae Variant Classification Sherloc (09022015). Collection method: clinical testing. Allele origin: germline.
Comment: This sequence change replaces proline, which is neutral and non-polar, with leucine, which is neutral and non-polar, at codon 3854 of the ZNF469 protein (p.Pro3854Leu). This variant is present in population databases (rs376013703, gnomAD 0.01%). This variant has not been reported in the literature in individuals affected with ZNF469-related conditions. ClinVar contains an entry for this variant (Variation ID: 1200724). Algorithms developed to predict the effect of missense changes on protein structure and function output the following: SIFT: "Tolerated"; PolyPhen-2: "Benign"; Align-GVGD: "Class C0". The leucine amino acid residue is found in multiple mammalian species, which suggests that this missense change does not adversely affect protein function. In summary, the available evidence is currently insufficient to determine the role of this variant in disease. Therefore, it has been classified as a Variant of Uncertain Significance.

GeneDx
Classification: Uncertain significance. Last evaluated: 2020-11-17. Review status: criteria provided, single submitter. Criteria: GeneDx Variant Classification Process June 2021. Collection method: clinical testing. Allele origin: germline. Affected: yes.
Comment: Not observed at a significant frequency in large population cohorts (Lek et al., 2016); In silico analysis supports that this missense variant has a deleterious effect on protein structure/function; Has not been previously published as pathogenic or benign to our knowledge